The following is an entry in ClinVar:

NM_000368.5(TSC1):c.2401G>T (p.Glu801Ter)

Gene: TSC1 (TSC complex subunit 1; minus strand). Cytogenetic location: 9q34.13.
Variant type: single nucleotide variant.
Coding change: c.2401G>T on transcript NM_000368.5 (MANE Select); coding-DNA position 2401, G replaced by T.
Protein change: p.Glu801Ter; replaces glutamic acid 801 with a stop codon.
Molecular consequence: nonsense.
Genome position (GRCh38, 1-based): chr9:132,901,690, C>A on the plus strand (G>T on the coding strand, the complement: TSC1 is on the minus strand). VCF-style: chr9-132901690-C-A. GRCh37 (hg19) VCF-style: chr9-135777077-C-A.
Other names: c.2398G>T, p.Glu800Ter (NM_001162426.2); c.2248G>T, p.Glu750Ter (NM_001162427.2); c.2038G>T, p.Glu680Ter (NM_001362177.2); short protein forms E801*, E800*, E680*, E750*.
Identifiers: ClinVar variation 48949 (VCV000048949.5), dbSNP rs118203687, ClinGen allele CA006392.
Genomic context (GRCh38, chr9:132,901,690, plus strand): 5'-CCTTGTTGTTGGCCTTCTTCAGTTCTATCCGCAGCTCCGCAATCATGTTCCTGCAGTCCT[C>A]CAGCTTCGTCTGCCCAAAGAGACGTGGACATGAAGTTTGAGGAACACCAACAGGCCAGAT-3'

ClinVar aggregate classification (germline): Pathogenic. Review status: criteria provided, multiple submitters, no conflicts (2 of 4 stars). 3 submissions from 3 submitters: Pathogenic (2). 1 of the submissions does not count toward it. Last evaluated 2024-08-11.

Conditions:
Tuberous sclerosis syndrome (TSC). Also called: Tuberous Sclerosis Complex; Tuberous sclerosis. Identifiers: Orphanet 805, MedGen C0041341, MONDO:0001734.
Tuberous sclerosis 1 (TSC1). Identifiers: Orphanet 805, MedGen C1854465, MONDO:0008612, OMIM 191100.

Submissions (3):

Labcorp Genetics (formerly Invitae), Labcorp
Classification: Pathogenic for Tuberous sclerosis 1. Last evaluated: 2024-08-11. Review status: criteria provided, single submitter. Criteria: Invitae Variant Classification Sherloc (09022015). Collection method: clinical testing. Allele origin: germline.
Comment: This sequence change creates a premature translational stop signal (p.Glu801*) in the TSC1 gene. It is expected to result in an absent or disrupted protein product. Loss-of-function variants in TSC1 are known to be pathogenic (PMID: 10227394, 17304050). This variant is not present in population databases (gnomAD no frequency). This variant has not been reported in the literature in individuals affected with TSC1-related conditions. ClinVar contains an entry for this variant (Variation ID: 48949). For these reasons, this variant has been classified as Pathogenic.

GeneDx
Classification: Pathogenic. Last evaluated: 2017-03-16. Review status: criteria provided, single submitter. Criteria: GeneDx Variant Classification (06012015). Collection method: clinical testing. Allele origin: germline. Affected: yes.
Comment: The E801X nonsense variant in the TSC1 gene has been reported previously in a patient with a clinical diagnosis of TSC (Au et al., 2007). This pathogenic variant is predicted to cause loss of normal protein function either through protein truncation or nonsense-mediated mRNA decay. Furthermore, the E801X variant is not observed in large population cohorts (Lek et al., 2016; 1000 Genomes Consortium et al., 2015; Exome Variant Server).

Tuberous sclerosis database (TSC1)
No classification provided. Condition: TSC. Review status: no classification provided. Criteria: Tuberous Sclerosis Database Assertion Criteria 2015. Collection method: curation. Allele origin: germline. Affected: yes. Not counted in ClinVar's aggregate classification.

Literature cited by the submitters: PubMed 10227394 (cited by Labcorp Genetics (formerly Invitae), Labcorp); PubMed 17304050 (cited by Labcorp Genetics (formerly Invitae), Labcorp).